The following is an entry in ClinVar:

NM_024675.4(PALB2):c.2207C>T (p.Ala736Val)

Gene: PALB2 (partner and localizer of BRCA2; minus strand). Cytogenetic location: 16p12.2.
Variant type: single nucleotide variant.
Coding change: c.2207C>T on transcript NM_024675.4 (MANE Select); coding-DNA position 2207, C replaced by T.
Protein change: p.Ala736Val; replaces alanine 736 with valine.
Molecular consequence: missense variant.
Genome position (GRCh38, 1-based): chr16:23,629,947, G>A on the plus strand (C>T on the coding strand, the complement: PALB2 is on the minus strand). VCF-style: chr16-23629947-G-A. GRCh37 (hg19) VCF-style: chr16-23641268-G-A.
Other names: short protein forms A736V.
Identifiers: ClinVar variation 530104 (VCV000530104.17), dbSNP rs746056001, ClinGen allele CA7963612.

ClinVar aggregate classification (germline): Uncertain significance. Review status: criteria provided, multiple submitters, no conflicts (2 of 4 stars). 4 submissions from 4 submitters: Uncertain significance (4). Last evaluated 2025-05-21.

Conditions:
Breast and/or ovarian cancer. Identifiers: MedGen CN221562.
Hereditary cancer-predisposing syndrome. Also called: Hereditary neoplastic syndrome; Neoplastic Syndromes, Hereditary; Hereditary Cancer Syndrome; Tumor predisposition. Identifiers: Orphanet 140162, MedGen C0027672, MeSH D009386, MONDO:0015356.
Familial cancer of breast. Also called: BREAST CANCER, FAMILIAL; Hereditary breast cancer; hereditary breast carcinoma. Identifiers: Orphanet 227535, MedGen C0346153, MONDO:0016419, OMIM 114480. Disease mechanism: loss of function.

Allele frequency attached by ClinVar (database versions not stated): TOPMed below 0.00001; ExAC 0.00001; gnomAD 0.00001; gnomAD exomes 0.00001.
gnomAD v4.1: 4 of 1,614,088 alleles (0.00025%); highest among the groups gnomAD compares: Admixed American, 0.0067%; no homozygotes.

Submissions (4):

Labcorp Genetics (formerly Invitae), Labcorp
Classification: Uncertain significance for Familial cancer of breast. Last evaluated: 2025-05-21. Review status: criteria provided, single submitter. Criteria: Invitae Variant Classification Sherloc (09022015). Collection method: clinical testing. Allele origin: germline.
Comment: This sequence change replaces alanine, which is neutral and non-polar, with valine, which is neutral and non-polar, at codon 736 of the PALB2 protein (p.Ala736Val). This variant is present in population databases (rs746056001, gnomAD 0.009%). This variant has not been reported in the literature in individuals affected with PALB2-related conditions. ClinVar contains an entry for this variant (Variation ID: 530104). An algorithm developed to predict the effect of missense changes on protein structure and function outputs the following: PolyPhen-2: "Possibly Damaging". The valine amino acid residue is found in multiple mammalian species, which suggests that this missense change does not adversely affect protein function. In summary, the available evidence is currently insufficient to determine the role of this variant in disease. Therefore, it has been classified as a Variant of Uncertain Significance.

Ambry Genetics
Classification: Uncertain significance for Hereditary cancer-predisposing syndrome. Last evaluated: 2024-10-15. Review status: criteria provided, single submitter. Criteria: Ambry Variant Classification Scheme 2023. Collection method: clinical testing. Allele origin: germline.
Comment: The p.A736V variant (also known as c.2207C>T), located in coding exon 5 of the PALB2 gene, results from a C to T substitution at nucleotide position 2207. The alanine at codon 736 is replaced by valine, an amino acid with similar properties. This amino acid position is conserved. In addition, this alteration is predicted to be tolerated by in silico analysis. Since supporting evidence is limited at this time, the clinical significance of this alteration remains unclear.

CHEO Genetics Diagnostic Laboratory, Children's Hospital of Eastern Ontario
Classification: Uncertain significance for Breast and/or ovarian cancer. Last evaluated: 2022-09-02. Review status: criteria provided, single submitter. Criteria: ACMG Guidelines, 2015. Collection method: clinical testing. Allele origin: germline.

Color Diagnostics, LLC DBA Color Health
Classification: Uncertain significance for Hereditary cancer-predisposing syndrome. Last evaluated: 2022-03-28. Review status: criteria provided, single submitter. Criteria: ACMG Guidelines, 2015. Collection method: clinical testing. Allele origin: germline.
Comment: This missense variant replaces alanine with valine at codon 736 of the PALB2 protein. Computational prediction suggests that this variant may not impact protein structure and function (internally defined REVEL score threshold <= 0.5, PMID: 27666373). To our knowledge, functional studies have not been reported for this variant. This variant has not been reported in individuals affected with hereditary cancer in the literature. This variant has been identified in 3/251490 chromosomes in the general population by the Genome Aggregation Database (gnomAD). The available evidence is insufficient to determine the role of this variant in disease conclusively. Therefore, this variant is classified as a Variant of Uncertain Significance.